The following is an entry in ClinVar:

ClinVar aggregate classification (germline): Likely benign (1 of 4 stars; one submission).

Allele frequency attached by ClinVar (database versions not stated): gnomAD 0.00001 and 0.00003; gnomAD exomes 0.00001; ExAC 0.00002.
gnomAD v4.1: 18 of 1,610,968 alleles (0.0011%); highest among the groups gnomAD compares: Non-Finnish European, 0.0014%; no homozygotes.

Submission:

GeneDx
Classification: Likely benign. Last evaluated: 2016-07-12. Review status: criteria provided, single submitter. Criteria: GeneDx Variant Classification (06012015). Collection method: clinical testing. Allele origin: germline. Affected: yes.
Comment: This variant is considered likely benign or benign based on one or more of the following criteria: it is a conservative change, it occurs at a poorly conserved position in the protein, it is predicted to be benign by multiple in silico algorithms, and/or has population frequency not consistent with disease.

NM_015214.3(DDHD2):c.2054+13T>C

Gene: DDHD2 (DDHD domain containing 2; plus strand). Cytogenetic location: 8p11.23.
Variant type: single nucleotide variant.
Coding change: c.2054+13T>C on transcript NM_015214.3 (MANE Select); 13 bases into the intron after coding-DNA position 2054, T replaced by C.
Molecular consequence: intron variant.
Genome position (GRCh38, 1-based): chr8:38,253,731, T>C. VCF-style: chr8-38253731-T-C. GRCh37 (hg19) VCF-style: chr8-38111249-T-C.
Other names: c.2054+13T>C (NM_001362914.2, NM_001362912.2, NM_001362911.2 and 1 more transcripts); c.1964+13T>C (NM_001362913.2).
Identifiers: ClinVar variation 387155 (VCV000387155.1), dbSNP rs768953372, ClinGen allele CA4716419.